The following is an entry in ClinVar:

ClinVar aggregate classification (germline): Pathogenic (1 of 4 stars; one submission).

Conditions:
Cardiovascular phenotype. Identifiers: MedGen CN230736.

Allele frequency attached by ClinVar (database versions not stated): gnomAD exomes below 0.00001.
gnomAD v4.1: 1 of 1,613,666 alleles (0.000062%); highest among the groups gnomAD compares: Non-Finnish European, 0.000085%; no homozygotes.

Submission:

Ambry Genetics
Classification: Pathogenic for Cardiovascular phenotype. Last evaluated: 2021-11-04. Review status: criteria provided, single submitter. Criteria: Ambry Variant Classification Scheme 2023. Collection method: clinical testing. Allele origin: germline.
Comment: The p.Y18323* variant (also known as c.54969C>G), located in coding exon 153 of the TTN gene, results from a C to G substitution at nucleotide position 54969. This changes the amino acid from a tyrosine to a stop codon within coding exon 153. This exon is located in the A-band region of the N2-B isoform of the titin protein and is constitutively expressed in TTN transcripts (percent spliced in or PSI 100%). This alteration has been observed in at least one individual with a personal and/or family history that is consistent with TTN-related disease (Ambry internal data). This variant is considered to be rare based on population cohorts in the Genome Aggregation Database (gnomAD). This alteration is expected to result in loss of function by premature protein truncation or nonsense-mediated mRNA decay. While truncating variants in TTN are present in 1-3% of the general population, truncating variants in the A-band are the most common cause of dilated cardiomyopathy (DCM) (Herman DS et al. N. Engl. J. Med., 2012 Feb;366:619-28; Roberts AM et al. Sci Transl Med, 2015 Jan;7:270ra6). TTN truncating variants encoded in constitutive exons (PSI >90%) have been found to be significantly associated with DCM regardless of their position in titin (Schafer S et al. Nat. Genet., 2017 01;49:46-53). Based on the supporting evidence, this alteration is interpreted as a disease-causing mutation.

NM_001267550.2(TTN):c.82164C>G (p.Tyr27388Ter)

Genes: TTN (titin; minus strand), TTN-AS1 (TTN antisense RNA 1; plus strand). Cytogenetic location: 2q31.2.
Variant type: single nucleotide variant.
Coding change: c.82164C>G on transcript NM_001267550.2 (MANE Select); coding-DNA position 82164, C replaced by G.
Protein change: p.Tyr27388Ter; replaces tyrosine 27388 with a stop codon.
Molecular consequence: nonsense.
Genome position (GRCh38, 1-based): chr2:178,563,968, G>C on the plus strand (C>G on the coding strand, the complement: TTN is on the minus strand). VCF-style: chr2-178563968-G-C. GRCh37 (hg19) VCF-style: chr2-179428695-G-C.
Other names: c.77241C>G, p.Tyr25747Ter (NM_001256850.1); c.54969C>G, p.Tyr18323Ter (NM_003319.4); c.74460C>G, p.Tyr24820Ter (NM_133378.4); c.55344C>G, p.Tyr18448Ter (NM_133432.3); c.55545C>G, p.Tyr18515Ter (NM_133437.4); short protein forms Y18515*, Y24820*, Y18448*, Y27388*, Y18323*, Y25747*.
Identifiers: ClinVar variation 1747875 (VCV001747875.2), dbSNP rs2468187611, ClinGen allele CA349575121.